The following is an entry in ClinVar:

ClinVar aggregate classification (germline): Uncertain significance (1 of 4 stars; one submission).

Allele frequency attached by ClinVar (database versions not stated): gnomAD exomes below 0.00001; ExAC 0.00001; gnomAD 0.00001; TOPMed 0.00003.

Submission:

Labcorp Genetics (formerly Invitae), Labcorp
Classification: Uncertain significance. Last evaluated: 2024-10-21. Review status: criteria provided, single submitter. Criteria: Invitae Variant Classification Sherloc (09022015). Collection method: clinical testing. Allele origin: germline.
Comment: This sequence change creates a premature translational stop signal (p.Val71Leufs*27) in the RGR gene. It is expected to result in an absent or disrupted protein product. However, the current clinical and genetic evidence is not sufficient to establish whether loss-of-function variants in RGR cause disease. This variant is present in population databases (rs751615944, gnomAD 0.007%). This variant has not been reported in the literature in individuals affected with RGR-related conditions. ClinVar contains an entry for this variant (Variation ID: 1381115). In summary, the available evidence is currently insufficient to determine the role of this variant in disease. Therefore, it has been classified as a Variant of Uncertain Significance.

NM_001012720.2(RGR):c.211del (p.Val71fs)

Gene: RGR (retinal G protein coupled receptor; plus strand). Cytogenetic location: 10q23.1.
Variant type: Deletion.
Coding change: c.211del on transcript NM_001012720.2 (MANE Select); coding-DNA position 211, one base deleted (G; older notation c.211delG).
Protein change: p.Val71fs; shifts the reading frame from valine 71.
Molecular consequence: frameshift variant.
Genome position (GRCh38, 1-based): chr10:84,247,722, G deleted. VCF-style (leftmost placement, unchanged base first): chr10-84247721-CG-C. GRCh37 (hg19) VCF-style: chr10-86007477-CG-C.
Other names: c.211del, p.Val71fs (NM_001012722.2, NM_002921.4); short protein forms V71fs.
Identifiers: ClinVar variation 1381115 (VCV001381115.6), dbSNP rs751615944, ClinGen allele CA5581327.